The following is an entry in ClinVar:

ClinVar aggregate classification (germline): Uncertain significance (1 of 4 stars; one submission).

Allele frequency attached by ClinVar (database versions not stated): gnomAD exomes below 0.00001.
gnomAD v4.1: 5 of 1,606,816 alleles (0.00031%); highest among the groups gnomAD compares: Non-Finnish European, 0.00042%; no homozygotes.

Submission:

Labcorp Genetics (formerly Invitae), Labcorp
Classification: Uncertain significance. Last evaluated: 2021-10-03. Review status: criteria provided, single submitter. Criteria: Invitae Variant Classification Sherloc (09022015). Collection method: clinical testing. Allele origin: germline.
Comment: In summary, the available evidence is currently insufficient to determine the role of this variant in disease. Therefore, it has been classified as a Variant of Uncertain Significance. Algorithms developed to predict the effect of missense changes on protein structure and function (SIFT, PolyPhen-2, Align-GVGD) all suggest that this variant is likely to be tolerated. This variant has not been reported in the literature in individuals affected with HELLS-related conditions. This variant is not present in population databases (ExAC no frequency). This sequence change replaces asparagine with histidine at codon 341 of the HELLS protein (p.Asn341His). The asparagine residue is moderately conserved and there is a small physicochemical difference between asparagine and histidine.

NM_018063.5(HELLS):c.1021A>C (p.Asn341His)

Gene: HELLS (helicase, lymphoid specific; plus strand). Cytogenetic location: 10q23.33.
Variant type: single nucleotide variant.
Coding change: c.1021A>C on transcript NM_018063.5 (MANE Select); coding-DNA position 1021, A replaced by C.
Protein change: p.Asn341His; replaces asparagine 341 with histidine.
Molecular consequence: missense variant. On other transcripts: 5 prime UTR variant (1), intron variant (3).
Genome position (GRCh38, 1-based): chr10:94,576,794, A>C. VCF-style: chr10-94576794-A-C. GRCh37 (hg19) VCF-style: chr10-96336551-A-C.
Other names: c.1021A>C, p.Asn341His (NM_001289067.2, NM_001289070.2); c.973A>C, p.Asn325His (NM_001289068.2); c.649A>C, p.Asn217His (NM_001289071.2); c.607A>C, p.Asn203His (NM_001289073.2); c.-1A>C (NM_001289075.2); c.-67+85A>C (NM_001289074.2); c.936+85A>C (NM_001289069.2, NM_001289072.2); short protein forms N341H, N203H, N217H, N325H.
Identifiers: ClinVar variation 1384221 (VCV001384221.6), dbSNP rs757695351, ClinGen allele CA211659054.